The following is an entry in ClinVar:

NM_002317.7(LOX):c.778A>G (p.Arg260Gly)

Genes: LOX (lysyl oxidase; minus strand), SRFBP1 (serum response factor binding protein 1; plus strand). Cytogenetic location: 5q23.1.
Variant type: single nucleotide variant.
Coding change: c.778A>G on transcript NM_002317.7 (MANE Select); coding-DNA position 778, A replaced by G.
Protein change: p.Arg260Gly; replaces arginine 260 with glycine.
Molecular consequence: missense variant. On other transcripts: 5 prime UTR variant (1).
Genome position (GRCh38, 1-based): chr5:122,075,504, T>C on the plus strand (A>G on the coding strand, the complement: LOX is on the minus strand). VCF-style: chr5-122075504-T-C. GRCh37 (hg19) VCF-style: chr5-121411199-T-C.
Other names: c.88A>G, p.Arg30Gly (NM_001178102.2); c.-114A>G (NM_001317073.1); short protein forms R260G, R30G.
Identifiers: ClinVar variation 2822663 (VCV002822663.3), dbSNP rs2532911519, ClinGen allele CA360882226.

ClinVar aggregate classification (germline): Uncertain significance (1 of 4 stars; one submission).

Submission:

Labcorp Genetics (formerly Invitae), Labcorp
Classification: Uncertain significance. Last evaluated: 2022-12-20. Review status: criteria provided, single submitter. Criteria: Invitae Variant Classification Sherloc (09022015). Collection method: clinical testing. Allele origin: germline.
Comment: In summary, the available evidence is currently insufficient to determine the role of this variant in disease. Therefore, it has been classified as a Variant of Uncertain Significance. This sequence change replaces arginine, which is basic and polar, with glycine, which is neutral and non-polar, at codon 260 of the LOX protein (p.Arg260Gly). This variant is not present in population databases (gnomAD no frequency). This variant has not been reported in the literature in individuals affected with LOX-related conditions. Advanced modeling of protein sequence and biophysical properties (such as structural, functional, and spatial information, amino acid conservation, physicochemical variation, residue mobility, and thermodynamic stability) has been performed at Invitae for this missense variant, however the output from this modeling did not meet the statistical confidence thresholds required to predict the impact of this variant on LOX protein function.